The following is an entry in ClinVar:

NM_015065.3(EXPH5):c.4917C>A (p.Cys1639Ter)

Gene: EXPH5 (exophilin 5; minus strand). Cytogenetic location: 11q22.3.
Variant type: single nucleotide variant.
Coding change: c.4917C>A on transcript NM_015065.3 (MANE Select); coding-DNA position 4917, C replaced by A.
Protein change: p.Cys1639Ter; replaces cysteine 1639 with a stop codon.
Molecular consequence: nonsense.
Genome position (GRCh38, 1-based): chr11:108,510,590, G>T on the plus strand (C>A on the coding strand, the complement: EXPH5 is on the minus strand). VCF-style: chr11-108510590-G-T. GRCh37 (hg19) VCF-style: chr11-108381317-G-T.
Other names: c.4689C>A, p.Cys1563Ter (NM_001144763.2); c.4449C>A, p.Cys1483Ter (NM_001144764.2); c.4353C>A, p.Cys1451Ter (NM_001144765.2); c.4896C>A, p.Cys1632Ter (NM_001308019.2); short protein forms C1451*, C1483*, C1563*, C1632*, C1639*.
Identifiers: ClinVar variation 1698844 (VCV001698844.4), dbSNP rs763170220, ClinGen allele CA6267437.
Genomic context (GRCh38, chr11:108,510,590, plus strand): 5'-CAACCTGCTTTCGCCAATGGACTCTGCAGATTTTGGAGTAGGCTCAGGGAACAGTGGGTT[G>T]CACTCCACTGTGCCAAGAGATAAATGGTCAAAGCCAGATCTGCTTCCACTTTGGGGGAAG-3'

ClinVar aggregate classification (germline): Conflicting classifications of pathogenicity. Review status: criteria provided, conflicting classifications (1 of 4 stars). 2 submissions from 2 submitters: Pathogenic (1); Uncertain significance (1). Last evaluated 2026-01-12.

Conditions:
Epidermolysis bullosa simplex 4, localized or generalized intermediate, autosomal recessive. Also called: Epidermolysis bullosa, nonspecific, autosomal recessive. Identifiers: Orphanet 412189, MedGen C3554367, MONDO:0014014, OMIM 615028.

Allele frequency attached by ClinVar (database versions not stated): ExAC 0.00001.
gnomAD v4.1: 2 of 1,614,032 alleles (0.00012%); highest among the groups gnomAD compares: Admixed American, 0.0033%; no homozygotes.

Submissions (2):

Labcorp Genetics (formerly Invitae), Labcorp
Classification: Uncertain significance. Last evaluated: 2026-01-12. Review status: criteria provided, single submitter. Criteria: Invitae Variant Classification Sherloc (09022015). Collection method: clinical testing. Allele origin: germline.
Comment: This sequence change creates a premature translational stop signal (p.Cys1639*) in the EXPH5 gene. While this is not anticipated to result in nonsense mediated decay, it is expected to disrupt the last 351 amino acid(s) of the EXPH5 protein. This variant is not present in population databases (gnomAD no frequency). This premature translational stop signal has been observed in individuals with epidermolysis bullosa simplex (PMID: 37462267; internal data). ClinVar contains an entry for this variant (Variation ID: 1698844). In summary, the available evidence is currently insufficient to determine the role of this variant in disease. Therefore, it has been classified as a Variant of Uncertain Significance.

Genetics and Molecular Pathology, SA Pathology
Classification: Pathogenic for Epidermolysis bullosa simplex 4, localized or generalized intermediate, autosomal recessive. Last evaluated: 2021-05-10. Review status: criteria provided, single submitter. Criteria: ACMG Guidelines, 2015. Collection method: clinical testing. Allele origin: germline. Inheritance: Autosomal recessive inheritance. Affected: yes.

Literature cited by the submitters: PubMed 37462267 (cited by Labcorp Genetics (formerly Invitae), Labcorp).